The following is an entry in ClinVar:

ClinVar aggregate classification (germline): Likely pathogenic. Review status: criteria provided, single submitter (1 of 4 stars). 2 submissions from 2 submitters: Likely pathogenic (1). 1 of the submissions does not count toward it. Last evaluated 2022-01-01.

Conditions:
KDM6B-related disorder. Also called: KDM6B-related condition.
Neurodevelopmental disorder with coarse facies and mild distal skeletal abnormalities. Also called: STOLERMAN NEURODEVELOPMENTAL SYNDROME. Identifiers: MedGen C5193134, MONDO:0032790, OMIM 618505.

Allele frequency attached by ClinVar (database versions not stated): TOPMed below 0.00001; gnomAD 0.00001.
gnomAD v4.1: 1 of 1,613,378 alleles (0.000062%); highest among the groups gnomAD compares: African/African-American, 0.0013%; no homozygotes.

Submissions (2):

Provincial Medical Genetics Program of British Columbia, University of British Columbia
Classification: Likely pathogenic for Neurodevelopmental disorder with coarse facies and mild distal skeletal abnormalities. Last evaluated: 2022-01-01. Review status: criteria provided, single submitter. Criteria: ACMG Guidelines, 2015. Collection method: clinical testing. Allele origin: de novo. Affected: yes.

PreventionGenetics, part of Exact Sciences
Classification: Likely pathogenic for KDM6B-related condition. Last evaluated: 2024-08-27. Review status: no assertion criteria provided. Collection method: clinical testing. Allele origin: germline. Not counted in ClinVar's aggregate classification.
Comment: The KDM6B c.3736C>T variant is predicted to result in the amino acid substitution p.Arg1246Cys. To our knowledge, this variant has not been reported in the literature or in a large population database, indicating this variant is rare. This variant has also been reported in ClinVar as de novo in a patient with neurodevelopmental disorder with coarse facies and mild distal skeletal abnormalities. This variant is interpreted as likely pathogenic.

NM_001348716.2(KDM6B):c.3736C>T (p.Arg1246Cys)

Genes: KDM6B (lysine demethylase 6B; plus strand), LOC121587574 (Sharpr-MPRA regulatory region 3930; plus strand). Cytogenetic location: 17p13.1.
Variant type: single nucleotide variant.
Coding change: c.3736C>T on transcript NM_001348716.2 (MANE Select); coding-DNA position 3736, C replaced by T.
Protein change: p.Arg1246Cys; replaces arginine 1246 with cysteine.
Molecular consequence: missense variant.
Genome position (GRCh38, 1-based): chr17:7,851,083, C>T. VCF-style: chr17-7851083-C-T. GRCh37 (hg19) VCF-style: chr17-7754401-C-T.
Other names: c.3736C>T, p.Arg1246Cys (NM_001080424.2); c.3736C>T (NM_001080424.1); short protein forms R1246C.
Identifiers: ClinVar variation 1527972 (VCV001527972.3), dbSNP rs1294523865, ClinGen allele CA397925315.